The following is an entry in ClinVar:

NM_012448.4(STAT5B):c.2243A>T (p.Asp748Val)

Gene: STAT5B (signal transducer and activator of transcription 5B; minus strand). Cytogenetic location: 17q21.2.
Variant type: single nucleotide variant.
Coding change: c.2243A>T on transcript NM_012448.4 (MANE Select); coding-DNA position 2243, A replaced by T.
Protein change: p.Asp748Val; replaces aspartic acid 748 with valine.
Molecular consequence: missense variant.
Genome position (GRCh38, 1-based): chr17:42,201,859, T>A on the plus strand (A>T on the coding strand, the complement: STAT5B is on the minus strand). VCF-style: chr17-42201859-T-A. GRCh37 (hg19) VCF-style: chr17-40353877-T-A.
Other names: short protein forms D748V.
Identifiers: ClinVar variation 2849797 (VCV002849797.3), dbSNP rs2508695271, ClinGen allele CA399572882.

ClinVar aggregate classification (germline): Uncertain significance (1 of 4 stars; one submission).

Conditions:
Growth hormone insensitivity with immune dysregulation 1, autosomal recessive. Also called: GROWTH HORMONE INSENSITIVITY SYNDROME WITH IMMUNE DYSREGULATION 1, AUTOSOMAL RECESSIVE; GROWTH HORMONE INSENSITIVITY DUE TO POSTRECEPTOR DEFECT; LARON SYNDROME DUE TO POSTRECEPTOR DEFECT; Laron syndrome with immunodeficiency. Identifiers: Orphanet 220465, MedGen C5435698, MONDO:0100211, OMIM 245590.

Submission:

Labcorp Genetics (formerly Invitae), Labcorp
Classification: Uncertain significance for Growth hormone insensitivity with immune dysregulation 1, autosomal recessive. Last evaluated: 2023-11-28. Review status: criteria provided, single submitter. Criteria: Invitae Variant Classification Sherloc (09022015). Collection method: clinical testing. Allele origin: germline.
Comment: This sequence change replaces aspartic acid, which is acidic and polar, with valine, which is neutral and non-polar, at codon 748 of the STAT5B protein (p.Asp748Val). This variant is not present in population databases (gnomAD no frequency). This variant has not been reported in the literature in individuals affected with STAT5B-related conditions. An algorithm developed to predict the effect of missense changes on protein structure and function (PolyPhen-2) suggests that this variant is likely to be disruptive. In summary, the available evidence is currently insufficient to determine the role of this variant in disease. Therefore, it has been classified as a Variant of Uncertain Significance.